The following is an entry in ClinVar:

NM_144508.5(KNL1):c.6068A>G (p.Asp2023Gly)

Gene: KNL1 (kinetochore scaffold 1; plus strand). Cytogenetic location: 15q15.1.
Variant type: single nucleotide variant.
Coding change: c.6068A>G on transcript NM_144508.5 (MANE Select); coding-DNA position 6068, A replaced by G.
Protein change: p.Asp2023Gly; replaces aspartic acid 2023 with glycine.
Molecular consequence: missense variant.
Genome position (GRCh38, 1-based): chr15:40,647,048, A>G. VCF-style: chr15-40647048-A-G. GRCh37 (hg19) VCF-style: chr15-40939246-A-G.
Other names: c.6146A>G, p.Asp2049Gly (NM_170589.5); short protein forms D2023G, D2049G.
Identifiers: ClinVar variation 1697177 (VCV001697177.2), dbSNP rs766406734, ClinGen allele CA7483576.
Genomic context (GRCh38, chr15:40,647,048, plus strand): 5'-ATGAGAGGGAGAAACTTCAAATAAAGATAGATGAGATGGATAAAATACTTAAGAAGATCG[A>G]TAACTGCCTCACTGAGATGGAAACAGGTAAAGTATTTTAAATACTTTTCCAAAAGAAAAT-3'
Protein context (NP_653091.3, residues 2013-2033): DEMDKILKKI[Asp2023Gly]NCLTEMETET

ClinVar aggregate classification (germline): Uncertain significance (1 of 4 stars; one submission).

Allele frequency attached by ClinVar (database versions not stated): gnomAD exomes 0.00001 and 0.00005; gnomAD 0.00002; TOPMed 0.00003; ExAC 0.00005.
gnomAD v4.1: 15 of 1,536,244 alleles (0.00098%); highest among the groups gnomAD compares: Admixed American, 0.02%; no homozygotes.

Submission:

GeneDx
Classification: Uncertain significance. Last evaluated: 2022-01-15. Review status: criteria provided, single submitter. Criteria: GeneDx Variant Classification Process June 2021. Collection method: clinical testing. Allele origin: germline. Affected: yes.
Comment: In silico analysis supports that this missense variant has a deleterious effect on protein structure/function; Has not been previously published as pathogenic or benign to our knowledge